The following is an entry in ClinVar:

NM_000393.5(COL5A2):c.3083A>C (p.Lys1028Thr)

Gene: COL5A2 (collagen type V alpha 2 chain; minus strand). Cytogenetic location: 2q32.2.
Variant type: single nucleotide variant.
Coding change: c.3083A>C on transcript NM_000393.5 (MANE Select); coding-DNA position 3083, A replaced by C.
Protein change: p.Lys1028Thr; replaces lysine 1028 with threonine.
Molecular consequence: missense variant.
Genome position (GRCh38, 1-based): chr2:189,049,411, T>G on the plus strand (A>C on the coding strand, the complement: COL5A2 is on the minus strand). VCF-style: chr2-189049411-T-G. GRCh37 (hg19) VCF-style: chr2-189914137-T-G.
Other names: short protein forms K1028T.
Identifiers: ClinVar variation 4743458 (VCV004743458.1).

ClinVar aggregate classification (germline): Uncertain significance (1 of 4 stars; one submission).

Conditions:
Ehlers-Danlos syndrome, classic type, 1 (EDSCL1). Also called: EHLERS-DANLOS SYNDROME, GRAVIS TYPE; EHLERS-DANLOS SYNDROME, SEVERE CLASSIC TYPE; Ehlers-Danlos syndrome, type 1; Ehlers-Danlos Syndrome, Classic Type, COL5A1-Related; EDS I. Identifiers: MedGen C0268335, MONDO:0019567, OMIM 130000.

gnomAD v4.1: 2 of 1,613,714 alleles (0.00012%); highest among the groups gnomAD compares: Non-Finnish European, 0.00017%; no homozygotes.

Submission:

Labcorp Genetics (formerly Invitae), Labcorp
Classification: Uncertain significance for Ehlers-Danlos syndrome, classic type, 1. Last evaluated: 2025-12-28. Review status: criteria provided, single submitter. Criteria: Invitae Variant Classification Sherloc (09022015). Collection method: clinical testing. Allele origin: germline.
Comment: This sequence change replaces lysine, which is basic and polar, with threonine, which is neutral and polar, at codon 1028 of the COL5A2 protein (p.Lys1028Thr). This variant is not present in population databases (gnomAD no frequency). This variant has not been reported in the literature in individuals affected with COL5A2-related conditions. Invitae Evidence Modeling of protein sequence and biophysical properties (such as structural, functional, and spatial information, amino acid conservation, physicochemical variation, residue mobility, and thermodynamic stability) indicates that this missense variant is not expected to disrupt COL5A2 protein function with a negative predictive value of 80%. In summary, the available evidence is currently insufficient to determine the role of this variant in disease. Therefore, it has been classified as a Variant of Uncertain Significance.